The following is an entry in ClinVar:

NM_001288705.3(CSF1R):c.2622A>C (p.Gln874His)

Gene: CSF1R (colony stimulating factor 1 receptor; minus strand). Cytogenetic location: 5q32.
Variant type: single nucleotide variant.
Coding change: c.2622A>C on transcript NM_001288705.3 (MANE Select); coding-DNA position 2622, A replaced by C.
Protein change: p.Gln874His; replaces glutamine 874 with histidine.
Molecular consequence: missense variant. On other transcripts: non-coding transcript variant (2).
Genome position (GRCh38, 1-based): chr5:150,055,269, T>G on the plus strand (A>C on the coding strand, the complement: CSF1R is on the minus strand). VCF-style: chr5-150055269-T-G. GRCh37 (hg19) VCF-style: chr5-149434832-T-G.
Other names: p.Gln874His; c.2622A>C, p.Gln874His (NM_001349736.2, NM_001375320.1, NM_005211.4); c.2178A>C, p.Gln726His (NM_001375321.1); short protein forms Q874H, Q726H.
Identifiers: ClinVar variation 352131 (VCV000352131.7), dbSNP rs886060255, ClinGen allele CA10623551.

ClinVar aggregate classification (germline): Uncertain significance. Review status: criteria provided, multiple submitters, no conflicts (2 of 4 stars). 3 submissions from 3 submitters: Uncertain significance (3). Last evaluated 2025-08-29.

Conditions:
Hereditary diffuse leukoencephalopathy with spheroids. Also called: LEUKOENCEPHALOPATHY, ADULT-ONSET, WITH AXONAL SPHEROIDS AND PIGMENTED GLIA. Identifiers: Orphanet 313808, MedGen C3711381, MONDO:0030796.

Allele frequency attached by ClinVar (database versions not stated): gnomAD exomes below 0.00001; gnomAD 0.00001; TOPMed 0.00002.
gnomAD v4.1: 8 of 1,614,098 alleles (0.0005%); highest among the groups gnomAD compares: Non-Finnish European, 0.00025%; no homozygotes.

Submissions (3):

Labcorp Genetics (formerly Invitae), Labcorp
Classification: Uncertain significance. Last evaluated: 2025-08-29. Review status: criteria provided, single submitter. Criteria: Invitae Variant Classification Sherloc (09022015). Collection method: clinical testing. Allele origin: germline.
Comment: This sequence change replaces glutamine, which is neutral and polar, with histidine, which is basic and polar, at codon 874 of the CSF1R protein (p.Gln874His). This variant is present in population databases (no rsID available, gnomAD 0.0009%). This variant has not been reported in the literature in individuals affected with CSF1R-related conditions. ClinVar contains an entry for this variant (Variation ID: 352131). Invitae Evidence Modeling of protein sequence and biophysical properties (such as structural, functional, and spatial information, amino acid conservation, physicochemical variation, residue mobility, and thermodynamic stability) indicates that this missense variant is not expected to disrupt CSF1R protein function with a negative predictive value of 95%. In summary, the available evidence is currently insufficient to determine the role of this variant in disease. Therefore, it has been classified as a Variant of Uncertain Significance.

Mayo Clinic Laboratories, Mayo Clinic
Classification: Uncertain significance. Last evaluated: 2023-10-17. Review status: criteria provided, single submitter. Criteria: ACMG Guidelines, 2015. Collection method: clinical testing. Allele origin: germline. Observed: 1 variant allele.

Illumina Laboratory Services, Illumina
Classification: Uncertain significance for Leukoencephalopathy, diffuse hereditary, with spheroids 1. Last evaluated: 2018-01-13. Review status: criteria provided, single submitter. Criteria: ICSL Variant Classification Criteria 13 December 2019. Collection method: clinical testing. Allele origin: germline.